The following is an entry in ClinVar:

ClinVar aggregate classification (germline): Uncertain significance (1 of 4 stars; one submission).

Conditions:
Myasthenic syndrome, congenital, 22 (CMS22). Also called: PREPL DEFICIENCY. Identifiers: MedGen C4479088, MONDO:0044299, OMIM 616224.

Submission:

Labcorp Genetics (formerly Invitae), Labcorp
Classification: Uncertain significance for Myasthenic syndrome, congenital, 22. Last evaluated: 2018-11-08. Review status: criteria provided, single submitter. Criteria: Invitae Variant Classification Sherloc (09022015). Collection method: clinical testing. Allele origin: germline.
Comment: In summary, the available evidence is currently insufficient to determine the role of this variant in disease. Therefore, it has been classified as a Variant of Uncertain Significance. Algorithms developed to predict the effect of sequence changes on RNA splicing suggest that this variant may create or strengthen a splice site, but this prediction has not been confirmed by published transcriptional studies. Algorithms developed to predict the effect of missense changes on protein structure and function are either unavailable or do not agree on the potential impact of this missense change (SIFT: "Deleterious"; PolyPhen-2: "Probably Damaging"; Align-GVGD: "Class C0"). This variant has not been reported in the literature in individuals with PREPL-related disease. This variant is not present in population databases (ExAC no frequency). This sequence change replaces valine with glycine at codon 163 of the PREPL protein (p.Val163Gly). The valine residue is highly conserved and there is a moderate physicochemical difference between valine and glycine.

NM_001171613.2(PREPL):c.221T>G (p.Val74Gly)

Gene: PREPL (prolyl endopeptidase like; minus strand). Cytogenetic location: 2p21.
Variant type: single nucleotide variant.
Coding change: c.221T>G on transcript NM_001171613.2 (MANE Select); coding-DNA position 221, T replaced by G.
Protein change: p.Val74Gly; replaces valine 74 with glycine.
Molecular consequence: missense variant.
Genome position (GRCh38, 1-based): chr2:44,343,873, A>C on the plus strand (T>G on the coding strand, the complement: PREPL is on the minus strand). VCF-style: chr2-44343873-A-C. GRCh37 (hg19) VCF-style: chr2-44571012-A-C.
Other names: c.488T>G, p.Val163Gly (NM_006036.4, NM_001042385.2, NM_001042386.2 and 4 more transcripts); c.221T>G, p.Val74Gly (NM_001171617.1, NM_001374277.1); short protein forms V74G, V163G.
Identifiers: ClinVar variation 660171 (VCV000660171.8), dbSNP rs1572895694, ClinGen allele CA346693498.